The following is an entry in ClinVar:

NM_002519.3(NPAT):c.642A>C (p.Glu214Asp)

Gene: NPAT (nuclear protein, coactivator of histone transcription; minus strand). Cytogenetic location: 11q22.3.
Variant type: single nucleotide variant.
Coding change: c.642A>C on transcript NM_002519.3 (MANE Select); coding-DNA position 642, A replaced by C.
Protein change: p.Glu214Asp; replaces glutamic acid 214 with aspartic acid.
Molecular consequence: missense variant.
Genome position (GRCh38, 1-based): chr11:108,186,566, T>G on the plus strand (A>C on the coding strand, the complement: NPAT is on the minus strand). VCF-style: chr11-108186566-T-G. GRCh37 (hg19) VCF-style: chr11-108057293-T-G.
Other names: c.642A>C, p.Glu214Asp (NM_001321307.1); short protein forms E214D.
Identifiers: ClinVar variation 3407158 (VCV003407158.1).

ClinVar aggregate classification (germline): Uncertain significance (1 of 4 stars; one submission).

gnomAD v4.1: 1 of 1,612,970 alleles (0.000062%); highest among the groups gnomAD compares: Non-Finnish European, 0.000085%; no homozygotes.

Submission:

Ambry Genetics
Classification: Uncertain significance. Last evaluated: 2024-08-09. Review status: criteria provided, single submitter. Criteria: Ambry Variant Classification Scheme 2023. Collection method: clinical testing. Allele origin: germline.
Comment: The p.E214D variant (also known as c.642A>C), located in coding exon 8 of the NPAT gene, results from an A to C substitution at nucleotide position 642. The glutamic acid at codon 214 is replaced by aspartic acid, an amino acid with highly similar properties. This amino acid position is conserved. In addition, this alteration is predicted to be tolerated by in silico analysis. Based on the available evidence, the clinical significance of this variant remains unclear.